The following is an entry in ClinVar:

ClinVar aggregate classification (germline): Likely benign. Review status: criteria provided, single submitter (1 of 4 stars). 2 submissions from 2 submitters: Likely benign (1). 1 of the submissions does not count toward it. Last evaluated 2020-12-09.

Conditions:
PLXNA2-related disorder. Also called: PLXNA2-related condition.

Allele frequency attached by ClinVar (database versions not stated): ExAC 0.00002; ESP Exome Variant Server 0.00008; TOPMed 0.00008; gnomAD 0.00009.
gnomAD v4.1: 49 of 1,613,864 alleles (0.003%); highest among the groups gnomAD compares: Middle Eastern, 0.068%; 1 homozygote.

Submissions (2):

Labcorp Genetics (formerly Invitae), Labcorp
Classification: Likely benign. Last evaluated: 2020-12-09. Review status: criteria provided, single submitter. Criteria: Invitae Variant Classification Sherloc (09022015). Collection method: clinical testing. Allele origin: germline.

PreventionGenetics, part of Exact Sciences
Classification: Likely benign for PLXNA2-related condition. Last evaluated: 2021-07-16. Review status: no assertion criteria provided. Collection method: clinical testing. Allele origin: germline. Not counted in ClinVar's aggregate classification.
Comment: This variant is classified as likely benign based on ACMG/AMP sequence variant interpretation guidelines (Richards et al. 2015 PMID: 25741868, with internal and published modifications).

NM_025179.4(PLXNA2):c.4485C>T (p.Ile1495=)

Gene: PLXNA2 (plexin A2; minus strand). Cytogenetic location: 1q32.2.
Variant type: single nucleotide variant.
Coding change: c.4485C>T on transcript NM_025179.4 (MANE Select); coding-DNA position 4485, C replaced by T.
Protein change: p.Ile1495=; no amino-acid change (isoleucine 1495 retained).
Molecular consequence: synonymous variant.
Genome position (GRCh38, 1-based): chr1:208,039,636, G>A on the plus strand (C>T on the coding strand, the complement: PLXNA2 is on the minus strand). VCF-style: chr1-208039636-G-A. GRCh37 (hg19) VCF-style: chr1-208212981-G-A.
Other names: c.4485C>T (NM_025179.3).
Identifiers: ClinVar variation 2914535 (VCV002914535.4), dbSNP rs374437477, ClinGen allele CA1372875.